The following is an entry in ClinVar:

NM_006593.4(TBR1):c.1552G>C (p.Ala518Pro)

Genes: TBR1 (T-box brain transcription factor 1; plus strand), LOC129935026 (ATAC-STARR-seq lymphoblastoid silent region 12060; plus strand). Cytogenetic location: 2q24.2.
Variant type: single nucleotide variant.
Coding change: c.1552G>C on transcript NM_006593.4 (MANE Select); coding-DNA position 1552, G replaced by C.
Protein change: p.Ala518Pro; replaces alanine 518 with proline.
Molecular consequence: missense variant.
Genome position (GRCh38, 1-based): chr2:161,423,730, G>C. VCF-style: chr2-161423730-G-C. GRCh37 (hg19) VCF-style: chr2-162280241-G-C.
Other names: short protein forms A518P.
Identifiers: ClinVar variation 1809870 (VCV001809870.2), dbSNP rs2468099902, ClinGen allele CA349213955.

ClinVar aggregate classification (germline): Uncertain significance (1 of 4 stars; one submission).

Submission:

GeneDx
Classification: Uncertain significance. Last evaluated: 2025-11-17. Review status: criteria provided, single submitter. Criteria: GeneDx Variant Classification Process June 2021. Collection method: clinical testing. Allele origin: germline. Affected: yes.
Comment: Not observed at significant frequency in large population cohorts (gnomAD); In silico analysis suggests that this missense variant does not alter protein structure/function; Has not been previously published as pathogenic or benign to our knowledge